The following is an entry in ClinVar:

NM_031433.4(MFRP):c.771C>T (p.Arg257=)

Genes: C1QTNF5 (C1q and TNF related 5; minus strand), MFRP (membrane frizzled-related protein; minus strand). Cytogenetic location: 11q23.3.
Variant type: single nucleotide variant.
Coding change: c.771C>T on transcript NM_031433.4 (MANE Select); coding-DNA position 771, C replaced by T.
Protein change: p.Arg257=; no amino-acid change (arginine 257 retained).
Molecular consequence: synonymous variant. On other transcripts: 5 prime UTR variant (1).
Genome position (GRCh38, 1-based): chr11:119,344,875, G>A on the plus strand (C>T on the coding strand, the complement: MFRP is on the minus strand). VCF-style: chr11-119344875-G-A. GRCh37 (hg19) VCF-style: chr11-119215585-G-A.
Other names: c.-1866C>T (NM_015645.5).
Identifiers: ClinVar variation 1111164 (VCV001111164.19), dbSNP rs199739786, ClinGen allele CA6320424.
Genomic context (GRCh38, chr11:119,344,875, plus strand): 5'-TGGGAGTGGGTGGAGGGGAAGAAAGTGGACACTCAACAGGCAGGTGGGAACACACTCACC[G>A]CGCCCAGGGGCCATAGCCTGGTACCAGGCATGGAAACCAAATCCTTCCACACTGCTGTCA-3'
Protein context (NP_113621.1, residues 247-267): HAWYQAMAPG[Arg257=]GSCAHDEFRC

ClinVar aggregate classification (germline): Likely benign. Review status: criteria provided, multiple submitters, no conflicts (2 of 4 stars). 3 submissions from 3 submitters: Likely benign (3). Last evaluated 2025-11-19.

Conditions:
Isolated microphthalmia 5. Also called: Posterior Microphthalmia with Retinitis Pigmentosa, Foveoschisis, and Optic Disc Drusen. Identifiers: Orphanet 251279, MedGen C1970236, MONDO:0012605, OMIM 611040.

Allele frequency attached by ClinVar (database versions not stated): gnomAD 0.00006 and 0.00007; TOPMed 0.00007; ESP Exome Variant Server 0.00008; ExAC 0.00014; 1000 Genomes Project 0.00040; gnomAD exomes 0.00013 and 0.00011; 1000 Genomes Project 30x 0.00031.
gnomAD v4.1: 197 of 1,613,114 alleles (0.012%); highest among the groups gnomAD compares: East Asian, 0.32%; no homozygotes.

Submissions (3):

Labcorp Genetics (formerly Invitae), Labcorp
Classification: Likely benign for Isolated microphthalmia 5. Last evaluated: 2025-11-19. Review status: criteria provided, single submitter. Criteria: Invitae Variant Classification Sherloc (09022015). Collection method: clinical testing. Allele origin: germline.

CeGaT Center for Human Genetics Tuebingen
Classification: Likely benign. Last evaluated: 2025-07-01. Review status: criteria provided, single submitter. Criteria: CeGaT Center For Human Genetics Tuebingen Variant Classification Criteria Version 2. Collection method: clinical testing. Allele origin: germline. Affected: yes. Observed: 1 variant allele.
Comment: MFRP: BP4, BP7

Blueprint Genetics
Classification: Likely benign. Last evaluated: 2023-10-03. Review status: criteria provided, single submitter. Criteria: ACMG Guidelines, 2015. Collection method: clinical testing. Allele origin: germline.